The following is an entry in ClinVar:

NM_000069.3(CACNA1S):c.235AAC[1] (p.Asn80del)

Gene: CACNA1S (calcium voltage-gated channel subunit alpha1 S; minus strand). Cytogenetic location: 1q32.1.
Variant type: Microsatellite.
Coding change: c.235AAC[1] on transcript NM_000069.3 (MANE Select); one copy of the 3-base unit AAC starting at c.235; the reference has two copies in a row; one copy, 3 bases deleted; also written c.238_240del.
Protein change: p.Asn80del; deletes asparagine 80.
Genome position (GRCh38, 1-based): chr1:201,110,182-201,110,184, GTT deleted on the plus strand (AAC on the coding strand, the reverse complement: CACNA1S is on the minus strand); deleting any 3 consecutive bases within chr1:201,110,182-201,110,189 gives the same sequence; the position shown is the placement nearest the transcript's 3' end. VCF-style (leftmost placement, unchanged base first): chr1-201110181-AGTT-A. GRCh37 (hg19) VCF-style: chr1-201079309-AGTT-A.
Other names: c.238_240del (NM_000069.3); short protein forms N80del.
Identifiers: ClinVar variation 4757731 (VCV004757731.2).

ClinVar aggregate classification (germline): Uncertain significance. Review status: criteria provided, multiple submitters, no conflicts (2 of 4 stars). 2 submissions from 2 submitters: Uncertain significance (2). Last evaluated 2026-01-21.

Conditions:
Malignant hyperthermia, susceptibility to, 5 (MHS5). Also called: CACNA1S-Related Malignant Hyperthermia Susceptibility. Identifiers: Orphanet 423, MedGen C1866077, MONDO:0011163, OMIM 601887.
Hypokalemic periodic paralysis, type 1. Also called: Hypokalemic Periodic Paralysis Type 1 (AD); HypoPP. Identifiers: Orphanet 681, MedGen C3714580, MONDO:0042979, OMIM 170400.

Submissions (2):

Labcorp Genetics (formerly Invitae), Labcorp
Classification: Uncertain significance for Hypokalemic periodic paralysis, type 1; Malignant hyperthermia, susceptibility to, 5. Last evaluated: 2026-01-21. Review status: criteria provided, single submitter. Criteria: Invitae Variant Classification Sherloc (09022015). Collection method: clinical testing. Allele origin: germline.
Comment: This variant, c.238_240del, results in the deletion of 1 amino acid(s) of the CACNA1S protein (p.Asn80del), but otherwise preserves the integrity of the reading frame. This variant is present in population databases (rs775230434, gnomAD 0.003%). This variant has not been reported in the literature in individuals affected with CACNA1S-related conditions. Experimental studies and prediction algorithms are not available or were not evaluated, and the functional significance of this variant is currently unknown. In summary, the available evidence is currently insufficient to determine the role of this variant in disease. Therefore, it has been classified as a Variant of Uncertain Significance.

Color Diagnostics, LLC DBA Color Health
Classification: Uncertain significance for Malignant hyperthermia, susceptibility to, 5. Last evaluated: 2025-07-29. Review status: criteria provided, single submitter. Criteria: ACMG Guidelines, 2015. Collection method: clinical testing. Allele origin: germline.
Comment: This variant results in the deletion of 1 amino acid in the CACNA1S protein. To our knowledge, functional studies have not been reported for this variant. This variant has not been reported in individuals affected with CACNA1S-related disorders in the literature. This variant has been identified in 4/251346 chromosomes in the general population by the Genome Aggregation Database (gnomAD). The available evidence is insufficient to determine the role of this variant in disease conclusively. Therefore, this variant is classified as a Variant of Uncertain Significance.